The following is an entry in ClinVar:

NM_021939.4(FKBP10):c.770_771delinsCA (p.Leu257Pro)

Gene: FKBP10 (FKBP prolyl isomerase 10; plus strand). Cytogenetic location: 17q21.2.
Variant type: Indel.
Coding change: c.770_771delinsCA on transcript NM_021939.4 (MANE Select); coding-DNA positions 770 to 771, TC replaced by CA.
Protein change: p.Leu257Pro; replaces leucine 257 with proline.
Molecular consequence: missense variant.
Genome position (GRCh38, 1-based): chr17:41,819,252-41,819,253, TC replaced by CA. VCF-style: chr17-41819252-TC-CA. GRCh37 (hg19) VCF-style: chr17-39975504-TC-CA.
Other names: short protein forms L257P.
Identifiers: ClinVar variation 4819324 (VCV004819324.1).
Genomic context (GRCh38, chr17:41,819,252, plus strand): 5'-GCCCTATCCCTTCCCCAGGGACAGTGATCCCCCCACAGGCCTCGCTGGTCTTTCACGTCC[TC>CA]CTGATTGACGTGCACAACCCGAAGGACGCTGTCCAGCTAGAGACGCTGGAGCTCCCCCCC-3'
Protein context (NP_068758.3, residues 247-267): PPQASLVFHV[Leu257Pro]LIDVHNPKDA

ClinVar aggregate classification (germline): Likely pathogenic (1 of 4 stars; one submission).

Conditions:
Bruck syndrome 1 (BRKS1). Also called: ARTHROGRYPOSIS-LIKE DISORDER. Identifiers: Orphanet 1149, Orphanet 2771, MedGen C1850168, MONDO:0009806, OMIM 259450.

Submission:

Clinical Biomedical Laboratory, Shriners Hospital For Children - Canada
Classification: Likely pathogenic for Bruck syndrome 1. Review status: criteria provided, single submitter. Criteria: ACMG Guidelines, 2015. Collection method: clinical testing. Allele origin: germline. Affected: yes.
Comment: The variant is predicted to replace a leucine residue in FKBP10 by a proline residue. The variant is absent in the Genome Aggregation Database v.2.1.1. A variant resulting in the same amino acid change (FKBP10 c.770T>C) has been reported in Clinvar (Variation ID: 1446468) as variant of uncertain significance from a single submitter. Based on the ACMG variant interpretation guidelines, the available evidence supports classification of this variant as likely pathogenic.